The following is an entry in ClinVar:

ClinVar aggregate classification (germline): Likely pathogenic (1 of 4 stars; one submission).

Conditions:
Primary dilated cardiomyopathy (DCM). Also called: Dilated Cardiomyopathy. Identifiers: Orphanet 217604, MedGen C0007193, MeSH D002311, MONDO:0005021, HP:0001644. Inheritance: Various modes of inheritance.

Submission:

Lildballe Lab, Aarhus University Hospital
Classification: Likely pathogenic for dilated cardiomyopathy. Last evaluated: 2024-03-01. Review status: criteria provided, single submitter. Criteria: ACMG Guidelines, 2015. Collection method: research. Allele origin: germline. Affected: yes.
Comment: PVS1(vs), PM2(sup)

Literature cited by the submitters: PubMed 25741926; PubMed 39481677.

NM_001267550.2(TTN):c.54812-2_54813del

Genes: TTN (titin; minus strand), TTN-AS1 (TTN antisense RNA 1; plus strand). Cytogenetic location: 2q31.2.
Variant type: Deletion.
Coding change: c.54812-2_54813del on transcript NM_001267550.2 (MANE Select); the canonical splice acceptor site of the intron before coding-DNA position 54812 through coding-DNA position 54813, 4 bases deleted (AGTT; older notation c.54812-2_54813delAGTT).
Molecular consequence: splice acceptor variant.
Genome position (GRCh38, 1-based): chr2:178,602,589-178,602,592, AACT deleted on the plus strand (AGTT on the coding strand, the reverse complement: TTN is on the minus strand); deleting any 4 consecutive bases within chr2:178,602,589-178,602,594 gives the same sequence; the c. name uses the placement nearest the transcript's 3' end. VCF-style (leftmost placement, unchanged base first): chr2-178602588-GAACT-G. GRCh37 (hg19) VCF-style: chr2-179467315-GAACT-G.
Other names: c.27617-2_27618del (NM_003319.4); c.28193-2_28194del (NM_133437.4); c.27992-2_27993del (NM_133432.3); c.47108-2_47109del (NM_133378.4); c.49889-2_49890del (NM_001256850.1).
Identifiers: ClinVar variation 3338347 (VCV003338347.1).
Genomic context (GRCh38, chr2:178,602,588, plus strand): 5'-CTAGTGAGATGCTTGACTTCGTTTTATCTTTAACTTCTGGGCAAGAAGGTGGCCCCGGTG[GAACT>G]AATAACAAAAGAAAAAAAAAAGCTTCATCAGATTTTGAAGCTGATGAAGTGCTGGAGTCT-3'